The following is an entry in ClinVar:

NM_000179.3(MSH6):c.2508C>A (p.Asn836Lys)

Gene: MSH6 (mutS homolog 6; plus strand). Cytogenetic location: 2p16.3.
Variant type: single nucleotide variant.
Coding change: c.2508C>A on transcript NM_000179.3 (MANE Select); coding-DNA position 2508, C replaced by A.
Protein change: p.Asn836Lys; replaces asparagine 836 with lysine.
Molecular consequence: missense variant.
Genome position (GRCh38, 1-based): chr2:47,800,491, C>A. VCF-style: chr2-47800491-C-A. GRCh37 (hg19) VCF-style: chr2-48027630-C-A.
Other names: c.2118C>A, p.Asn706Lys (NM_001281492.2); c.1602C>A, p.Asn534Lys (NM_001281493.2, NM_001281494.2, NM_001406811.1 and 6 more transcripts); c.2604C>A, p.Asn868Lys (NM_001406795.1, NM_001406802.1); c.2508C>A, p.Asn836Lys (NM_001406796.1, NM_001406798.1, NM_001406800.1 and 2 more transcripts); c.2211C>A, p.Asn737Lys (NM_001406797.1, NM_001406801.1, NM_001406805.1 and 10 more transcripts); c.1983C>A, p.Asn661Lys (NM_001406799.1, NM_001406806.1, NM_001406807.1); c.2430C>A, p.Asn810Lys (NM_001406804.1); c.2514C>A, p.Asn838Lys (NM_001406813.1); and 1 more; short protein forms N737K, N838K, N534K, N706K, N780K, N661K, N868K, N810K.
Identifiers: ClinVar variation 1792335 (VCV001792335.3), dbSNP rs758170249, ClinGen allele CA346754283.

ClinVar aggregate classification (germline): Uncertain significance (1 of 4 stars; one submission).

Conditions:
Hereditary cancer-predisposing syndrome. Also called: Hereditary Cancer Syndrome; Hereditary neoplastic syndrome; Tumor predisposition; Neoplastic Syndromes, Hereditary. Identifiers: Orphanet 140162, MedGen C0027672, MeSH D009386, MONDO:0015356.

Submission:

Ambry Genetics
Classification: Uncertain significance for Hereditary cancer-predisposing syndrome. Last evaluated: 2025-03-06. Review status: criteria provided, single submitter. Criteria: Ambry Variant Classification Scheme 2023. Collection method: clinical testing. Allele origin: germline.
Comment: The p.N836K variant (also known as c.2508C>A), located in coding exon 4 of the MSH6 gene, results from a C to A substitution at nucleotide position 2508. The asparagine at codon 836 is replaced by lysine, an amino acid with similar properties. This amino acid position is not well conserved in available vertebrate species. In addition, this alteration is predicted to be tolerated by in silico analysis. Based on the available evidence, the clinical significance of this variant remains unclear.